The following is an entry in ClinVar:

ClinVar aggregate classification (germline): Uncertain significance (1 of 4 stars; one submission).

Conditions:
Hereditary spastic paraplegia 31. Also called: SPASTIC PARAPLEGIA 31, AUTOSOMAL DOMINANT. Identifiers: Orphanet 101011, MedGen C1853247, MONDO:0012453, OMIM 610250.

Allele frequency attached by ClinVar (database versions not stated): gnomAD exomes below 0.00001 and 0.00001; TOPMed 0.00001.
gnomAD v4.1: 5 of 1,612,514 alleles (0.00031%); highest among the groups gnomAD compares: Non-Finnish European, 0.00034%; no homozygotes.

Submission:

Labcorp Genetics (formerly Invitae), Labcorp
Classification: Uncertain significance for Hereditary spastic paraplegia 31. Last evaluated: 2022-08-21. Review status: criteria provided, single submitter. Criteria: Invitae Variant Classification Sherloc (09022015). Collection method: clinical testing. Allele origin: germline.
Comment: In summary, the available evidence is currently insufficient to determine the role of this variant in disease. Therefore, it has been classified as a Variant of Uncertain Significance. Algorithms developed to predict the effect of missense changes on protein structure and function are either unavailable or do not agree on the potential impact of this missense change (SIFT: "Deleterious"; PolyPhen-2: "Possibly Damaging"; Align-GVGD: "Class C0"). ClinVar contains an entry for this variant (Variation ID: 534219). This variant has not been reported in the literature in individuals affected with REEP1-related conditions. This variant is present in population databases (no rsID available, gnomAD 0.0009%). This sequence change replaces lysine, which is basic and polar, with threonine, which is neutral and polar, at codon 181 of the REEP1 protein (p.Lys181Thr).

NM_001371279.1(REEP1):c.542A>C (p.Lys181Thr)

Gene: REEP1 (receptor accessory protein 1; minus strand). Cytogenetic location: 2p11.2.
Variant type: single nucleotide variant.
Coding change: c.542A>C on transcript NM_001371279.1 (MANE Select); coding-DNA position 542, A replaced by C.
Protein change: p.Lys181Thr; replaces lysine 181 with threonine.
Molecular consequence: missense variant. On other transcripts: intron variant (1).
Genome position (GRCh38, 1-based): chr2:86,232,678, T>G on the plus strand (A>C on the coding strand, the complement: REEP1 is on the minus strand). VCF-style: chr2-86232678-T-G. GRCh37 (hg19) VCF-style: chr2-86459801-T-G.
Other names: c.563A>C, p.Lys188Thr (NM_001164730.2); c.461A>C, p.Lys154Thr (NM_001164731.2); c.307A>C, p.Asn103His (NM_001164732.2); c.542A>C, p.Lys181Thr (NM_022912.3); c.418-15568A>C (NM_001371280.1); short protein forms K181T, K188T, N103H, K154T.
Identifiers: ClinVar variation 534219 (VCV000534219.8), dbSNP rs1039369434, ClinGen allele CA51366965.
Genomic context (GRCh38, chr2:86,232,678, plus strand): 5'-CACCTACCTGAGCTGCTAGCGCTCTCAGAAGCACTCCTGGACATCTTAGGCTGGCCGTGT[T>G]TGCCGCTGGCCCGCCCAGACCCCGGTGGTGGGGGGCCCGAGGGAGCAGGGGCGCCGTCTC-3'
Protein context (NP_001358208.1, residues 171-191): PPPGSGRASG[Lys181Thr]HGQPKMSRSA